The following is an entry in ClinVar:

NM_000271.5(NPC1):c.2365C>T (p.Arg789Cys)

Gene: NPC1 (NPC intracellular cholesterol transporter 1; minus strand). Cytogenetic location: 18q11.2.
Variant type: single nucleotide variant.
Coding change: c.2365C>T on transcript NM_000271.5 (MANE Select); coding-DNA position 2365, C replaced by T.
Protein change: p.Arg789Cys; replaces arginine 789 with cysteine.
Molecular consequence: missense variant.
Genome position (GRCh38, 1-based): chr18:23,541,314, G>A on the plus strand (C>T on the coding strand, the complement: NPC1 is on the minus strand). VCF-style: chr18-23541314-G-A. GRCh37 (hg19) VCF-style: chr18-21121278-G-A.
Other names: short protein forms R789C.
Identifiers: ClinVar variation 554973 (VCV000554973.17), dbSNP rs1555633697, ClinGen allele CA401793596.

ClinVar aggregate classification (germline): Pathogenic/Likely pathogenic. Review status: criteria provided, multiple submitters, no conflicts (2 of 4 stars). 6 submissions from 6 submitters: Pathogenic (1); Likely pathogenic (4). 1 of the submissions does not count toward it. Last evaluated 2025-10-06.

Conditions:
Niemann-Pick disease, type C1. Also called: NIEMANN-PICK DISEASE, VARIANT TYPE C1; NEUROVISCERAL STORAGE DISEASE WITH VERTICAL SUPRANUCLEAR OPHTHALMOPLEGIA; NIEMANN-PICK DISEASE WITH CHOLESTEROL ESTERIFICATION BLOCK; NIEMANN-PICK DISEASE WITHOUT SPHINGOMYELINASE DEFICIENCY; NIEMANN-PICK DISEASE, CHRONIC NEURONOPATHIC FORM. Identifiers: Orphanet 646, MedGen C3179455, MONDO:0009757, OMIM 257220.
Niemann-Pick disease, type C (NPC). Identifiers: Orphanet 646, MedGen C0220756, MONDO:0018982.

gnomAD v4.1: 3 of 1,614,198 alleles (0.00019%); highest among the groups gnomAD compares: Non-Finnish European, 0.00025%; no homozygotes.

Submissions (6):

Natera, Inc.
Classification: Likely pathogenic for Niemann-Pick disease type C1. Last evaluated: 2025-10-06. Review status: criteria provided, single submitter. Criteria: Natera Variant Classification Schema (03/2026). Collection method: clinical testing. Allele origin: germline.
Comment: The c.2365C>T variant in NPC1 is a missense variant predicted to cause substitution of arginine to cysteine at amino acid 789. This variant is rare in the general population with a frequency below the threshold expected for the associated phenotype(s). This variant has been observed in one or more individuals affected with the associated recessive disease, as either homozygous or compound heterozygous with a second variant (PMID: 11349231). A different variant at the same position has been determined to be Pathogenic or Likely Pathogenic. Computational prediction algorithms indicate this variant is likely to affect gene or protein function. Given the available evidence, this variant is classified as Likely Pathogenic.

Women's Health and Genetics/Laboratory Corporation of America, LabCorp
Classification: Likely pathogenic for Niemann-Pick disease, type C. Last evaluated: 2025-07-11. Review status: criteria provided, single submitter. Criteria: LabCorp Variant Classification Summary - May 2015. Collection method: clinical testing. Allele origin: germline.
Comment: Variant summary: NPC1 c.2365C>T (p.Arg789Cys) results in a non-conservative amino acid change located in the Sterol-sensing domain (IPR000731) of the encoded protein sequence. Algorithms developed to predict the effect of missense changes on protein structure and function all suggest that this variant is likely to be disruptive. The variant was absent in 251460 control chromosomes. c.2365C>T has been reported in the literature in at-least two patients with Niemann-Pick disease (example: Sun_2001, Park_2003, Garver_2010). These data do not allow any conclusion about variant significance. To our knowledge, no experimental evidence demonstrating an impact on protein function has been reported. c.2365C>G (p.Arg789Gly) has been evaluated as likely pathogenic in ClinVar (ClinVar ID 1326279). The following publications have been ascertained in the context of this evaluation (PMID: 19744920, 11349231, 12955717). ClinVar contains an entry for this variant (Variation ID: 554973). Based on the evidence outlined above, the variant was classified as likely pathogenic.

GeneDx
Classification: Likely pathogenic. Last evaluated: 2025-04-09. Review status: criteria provided, single submitter. Criteria: GeneDx Variant Classification Process June 2021. Collection method: clinical testing. Allele origin: germline. Affected: yes.
Comment: Not observed at significant frequency in large population cohorts (gnomAD); In silico analysis supports that this missense variant has a deleterious effect on protein structure/function; This variant is associated with the following publications: (PMID: 27238017, 19744920, 12955717, 34426522, 11349231, 24915861)

Labcorp Genetics (formerly Invitae), Labcorp
Classification: Pathogenic for Niemann-Pick disease, type C1. Last evaluated: 2023-10-14. Review status: criteria provided, single submitter. Criteria: Invitae Variant Classification Sherloc (09022015). Collection method: clinical testing. Allele origin: germline.
Comment: This sequence change replaces arginine, which is basic and polar, with cysteine, which is neutral and slightly polar, at codon 789 of the NPC1 protein (p.Arg789Cys). This variant is not present in population databases (gnomAD no frequency). This missense change has been observed in individual(s) with NPC1-related conditions (PMID: 11349231). ClinVar contains an entry for this variant (Variation ID: 554973). Advanced modeling of protein sequence and biophysical properties (such as structural, functional, and spatial information, amino acid conservation, physicochemical variation, residue mobility, and thermodynamic stability) performed at Invitae indicates that this missense variant is expected to disrupt NPC1 protein function. This variant disrupts the p.Arg789 amino acid residue in NPC1. Other variant(s) that disrupt this residue have been determined to be pathogenic (PMID: 24915861). This suggests that this residue is clinically significant, and that variants that disrupt this residue are likely to be disease-causing. For these reasons, this variant has been classified as Pathogenic.

Neuberg Centre For Genomic Medicine, NCGM
Classification: Likely pathogenic for Niemann-Pick disease, type C1. Last evaluated: 2023-06-02. Review status: criteria provided, single submitter. Criteria: ACMG Guidelines, 2015. Collection method: clinical testing. Allele origin: germline. Inheritance: Autosomal recessive inheritance. Affected: yes.
Comment: The observed missense c.2365C>T(p.Arg789Cys) variant in NPC1 gene has been reported previously in homozygous or compound heterozygous state in individual(s) affected with Niemann-Pick disease type C (NPC) (Sun et al., 2001). This variant is absent in gnomAD Exomes. This variant has been reported to the ClinVar database as Uncertain Significance / Pathogenic. The amino acid Arg at position 789 is changed to a Cys changing protein sequence and it might alter its composition and physico-chemical properties. The amino acid change p.Arg789Cys in NPC1 is predicted as conserved by GERP++ and PhyloP across 100 vertebrates. Multiple lines of computational evidence (Polyphen - Damaging, SIFT - Damaging, and MutationTaster - Disease causing) predict a damaging effect on protein structure and function for this variant. This variant disrupts the p.Arg789 amino acid residue in NPC1. Other variant(s) that disrupt this residue have been determined to be pathogenic (Zhang et al., 2014). However, study of the variant in multiple affected individuals and its functional impact on the protein is required to determine the pathogenicity of the variant. For these reasons, this variant has been classified as Likely Pathogenic. In the absence of another reportable variant, the molecular diagnosis is not confirmed.

Counsyl
Classification: Uncertain significance for Niemann-Pick disease, type C1. Last evaluated: 2017-11-09. Review status: no assertion criteria provided. Collection method: clinical testing. Allele origin: unknown. Not counted in ClinVar's aggregate classification.

Literature cited by the submitters: PubMed 11349231 (cited by 4 submitters); PubMed 19744920 (cited by Women's Health and Genetics/Laboratory Corporation of America, LabCorp and Counsyl); PubMed 12955717 (cited by Women's Health and Genetics/Laboratory Corporation of America, LabCorp and Counsyl); PubMed 24915861 (cited by Labcorp Genetics (formerly Invitae), Labcorp); PubMed 27238017 (cited by Counsyl).